The following is an entry in ClinVar:

ClinVar aggregate classification (germline): Uncertain significance (1 of 4 stars; one submission).

Conditions:
Early-infantile DEE. Also called: Early infantile epileptic encephalopathy with suppression bursts; Early infantile epileptic encephalopathy; Ohtahara syndrome. Identifiers: Orphanet 1934, MedGen C0393706, MONDO:0800491.

Submission:

Labcorp Genetics (formerly Invitae), Labcorp
Classification: Uncertain significance for Early-infantile DEE. Last evaluated: 2022-03-19. Review status: criteria provided, single submitter. Criteria: Invitae Variant Classification Sherloc (09022015). Collection method: clinical testing. Allele origin: germline.
Comment: In summary, the available evidence is currently insufficient to determine the role of this variant in disease. Therefore, it has been classified as a Variant of Uncertain Significance. Algorithms developed to predict the effect of missense changes on protein structure and function are either unavailable or do not agree on the potential impact of this missense change (SIFT: "Deleterious"; PolyPhen-2: "Benign"; Align-GVGD: "Class C25"). ClinVar contains an entry for this variant (Variation ID: 573904). This variant has not been reported in the literature in individuals affected with SCN1A-related conditions. This variant is not present in population databases (gnomAD no frequency). This sequence change replaces valine, which is neutral and non-polar, with alanine, which is neutral and non-polar, at codon 1935 of the SCN1A protein (p.Val1935Ala).

NM_001165963.4(SCN1A):c.5804T>C (p.Val1935Ala)

Genes: SCN1A (sodium voltage-gated channel alpha subunit 1; minus strand), LOC102724058 (uncharacterized LOC102724058; plus strand). Cytogenetic location: 2q24.3.
Variant type: single nucleotide variant.
Coding change: c.5804T>C on transcript NM_001165963.4 (MANE Select); coding-DNA position 5804, T replaced by C.
Protein change: p.Val1935Ala; replaces valine 1935 with alanine.
Molecular consequence: missense variant. On other transcripts: non-coding transcript variant (1).
Genome position (GRCh38, 1-based): chr2:165,991,471, A>G on the plus strand (T>C on the coding strand, the complement: SCN1A is on the minus strand). VCF-style: chr2-165991471-A-G. GRCh37 (hg19) VCF-style: chr2-166847981-A-G.
Other names: c.5720T>C, p.Val1907Ala (NM_001165964.3, NM_001353957.2, NM_001353958.2); c.5804T>C, p.Val1935Ala (NM_001202435.3, NM_001353948.2); c.5771T>C, p.Val1924Ala (NM_001353949.2, NM_001353950.2, NM_001353951.2 and 2 more transcripts); c.5768T>C, p.Val1923Ala (NM_001353954.2, NM_001353955.2); c.5717T>C, p.Val1906Ala (NM_001353960.2); c.3362T>C, p.Val1121Ala (NM_001353961.2); short protein forms V1924A, V1935A, V1121A, V1907A, V1906A, V1923A.
Identifiers: ClinVar variation 573904 (VCV000573904.9), dbSNP rs1559099002, ClinGen allele CA349063763.
Genomic context (GRCh38, chr2:165,991,471, plus strand): 5'-ATAAGAAGATTAGCCCCACCTTTGATTTTGTTTTTATTGTACGTAAAGGAAGCTTGTTTT[A>G]CAGTTCGCTTTAAAAGGTGGCGTCTGTAAGCACGCTGAATAATGACAGCAGATACTTCCT-3'
Protein context (NP_001159435.1, residues 1925-1945): AYRRHLLKRT[Val1935Ala]KQASFTYNKN